The following is an entry in ClinVar:

ClinVar aggregate classification (germline): Uncertain significance. Review status: criteria provided, multiple submitters, no conflicts (2 of 4 stars). 2 submissions from 2 submitters: Uncertain significance (2). Last evaluated 2025-07-07.

Allele frequency attached by ClinVar (database versions not stated): TOPMed 0.00001.
gnomAD v4.1: 1 of 1,612,948 alleles (0.000062%); highest among the groups gnomAD compares: African/African-American, 0.0013%; no homozygotes.

Submissions (2):

GeneDx
Classification: Uncertain significance. Last evaluated: 2025-07-07. Review status: criteria provided, single submitter. Criteria: GeneDx Variant Classification Process June 2021. Collection method: clinical testing. Allele origin: germline. Affected: yes.
Comment: Not observed at significant frequency in large population cohorts (gnomAD); Missense variant in a gene in which most reported pathogenic variants are truncating/loss of function; Has not been previously published as pathogenic or benign to our knowledge

CeGaT Center for Human Genetics Tuebingen
Classification: Uncertain significance. Last evaluated: 2019-04-01. Review status: criteria provided, single submitter. Criteria: CeGaT Center For Human Genetics Tuebingen Variant Classification Criteria Version 2. Collection method: clinical testing. Allele origin: germline. Affected: yes. Observed: 1 variant allele.

NM_001267550.2(TTN):c.97547T>C (p.Met32516Thr)

Genes: TTN (titin; minus strand), TTN-AS1 (TTN antisense RNA 1; plus strand). Cytogenetic location: 2q31.2.
Variant type: single nucleotide variant.
Coding change: c.97547T>C on transcript NM_001267550.2 (MANE Select); coding-DNA position 97547, T replaced by C.
Protein change: p.Met32516Thr; replaces methionine 32516 with threonine.
Molecular consequence: missense variant.
Genome position (GRCh38, 1-based): chr2:178,541,530, A>G on the plus strand (T>C on the coding strand, the complement: TTN is on the minus strand). VCF-style: chr2-178541530-A-G. GRCh37 (hg19) VCF-style: chr2-179406257-A-G.
Other names: c.92624T>C, p.Met30875Thr (NM_001256850.1); c.70352T>C, p.Met23451Thr (NM_003319.4); c.89843T>C, p.Met29948Thr (NM_133378.4); c.70727T>C, p.Met23576Thr (NM_133432.3); c.70928T>C, p.Met23643Thr (NM_133437.4); c.97547T>C (NM_001267550.1); short protein forms M23576T, M29948T, M30875T, M23643T, M32516T, M23451T.
Identifiers: ClinVar variation 808909 (VCV000808909.43), dbSNP rs557550837, ClinGen allele CA349437402.